The following is an entry in ClinVar:

NM_001256470.2(PLEKHA5):c.910G>A (p.Val304Met)

Gene: PLEKHA5 (pleckstrin homology domain containing A5; plus strand). Cytogenetic location: 12p12.3.
Variant type: single nucleotide variant.
Coding change: c.910G>A on transcript NM_001256470.2 (MANE Select); coding-DNA position 910, G replaced by A.
Protein change: p.Val304Met; replaces valine 304 with methionine.
Molecular consequence: missense variant. On other transcripts: non-coding transcript variant (6).
Genome position (GRCh38, 1-based): chr12:19,274,580, G>A. VCF-style: chr12-19274580-G-A. GRCh37 (hg19) VCF-style: chr12-19427514-G-A.
Other names: c.892G>A, p.Val298Met (NM_001385938.1, NM_001385943.1, NM_001385946.1 and 11 more transcripts); c.586G>A, p.Val196Met (NM_001385939.1, NM_001385942.1, NM_001385933.1); c.568G>A, p.Val190Met (NM_001385940.1, NM_001385941.1, NM_001385944.1 and 25 more transcripts); c.463G>A, p.Val155Met (NM_001385963.1); c.421G>A, p.Val141Met (NM_001385965.1); c.910G>A, p.Val304Met (NM_001385929.1, NM_001385931.1, NM_001385934.1 and 4 more transcripts); short protein forms V141M, V155M, V190M, V196M, V298M, V304M.
Identifiers: ClinVar variation 3045403 (VCV003045403.2), dbSNP rs145682565, ClinGen allele CA6472190.

ClinVar aggregate classification (germline): Likely benign (0 of 4 stars; one submission).

Conditions:
PLEKHA5-related disorder. Also called: PLEKHA5-related condition.

Allele frequency attached by ClinVar (database versions not stated): ExAC 0.00027; gnomAD 0.00118; gnomAD exomes 0.00013; 1000 Genomes Project 30x 0.00078; TOPMed 0.00133; ESP Exome Variant Server 0.00115; 1000 Genomes Project 0.00080.
gnomAD v4.1: 376 of 1,613,492 alleles (0.023%); highest among the groups gnomAD compares: African/African-American, 0.46%; no homozygotes.

Submission:

PreventionGenetics, part of Exact Sciences
Classification: Likely benign for PLEKHA5-related condition. Last evaluated: 2022-05-31. Review status: no assertion criteria provided. Collection method: clinical testing. Allele origin: germline.
Comment: This variant is classified as likely benign based on ACMG/AMP sequence variant interpretation guidelines (Richards et al. 2015 PMID: 25741868, with internal and published modifications).